The following is an entry in ClinVar:

NM_020166.5(MCCC1):c.1619G>A (p.Ser540Asn)

Gene: MCCC1 (methylcrotonyl-CoA carboxylase subunit 1; minus strand). Cytogenetic location: 3q27.1.
Variant type: single nucleotide variant.
Coding change: c.1619G>A on transcript NM_020166.5 (MANE Select); coding-DNA position 1619, G replaced by A.
Protein change: p.Ser540Asn; replaces serine 540 with asparagine.
Molecular consequence: missense variant. On other transcripts: non-coding transcript variant (2).
Genome position (GRCh38, 1-based): chr3:183,034,053, C>T on the plus strand (G>A on the coding strand, the complement: MCCC1 is on the minus strand). VCF-style: chr3-183034053-C-T. GRCh37 (hg19) VCF-style: chr3-182751841-C-T.
Other names: c.1268G>A, p.Ser423Asn (NM_001293273.2); c.1292G>A, p.Ser431Asn (NM_001363880.1); short protein forms S431N, S423N, S540N.
Identifiers: ClinVar variation 1956446 (VCV001956446.5), dbSNP rs376408733, ClinGen allele CA2718720.

ClinVar aggregate classification (germline): Uncertain significance (1 of 4 stars; one submission).

Conditions:
3-methylcrotonyl-CoA carboxylase 1 deficiency (MCC1D). Also called: MCCD TYPE 1; METHYLCROTONYLGLYCINURIA TYPE I; MCC 1 deficiency; 3 Alpha methylcrotonylglycinuria 1. Identifiers: Orphanet 6, MedGen CN028786, MONDO:0008861, OMIM 210200.

Allele frequency attached by ClinVar (database versions not stated): gnomAD exomes below 0.00001; ExAC 0.00001; ESP Exome Variant Server 0.00008.

Submission:

Labcorp Genetics (formerly Invitae), Labcorp
Classification: Uncertain significance for 3-methylcrotonyl-CoA carboxylase 1 deficiency. Last evaluated: 2025-12-08. Review status: criteria provided, single submitter. Criteria: Invitae Variant Classification Sherloc (09022015). Collection method: clinical testing. Allele origin: germline.
Comment: This sequence change replaces serine, which is neutral and polar, with asparagine, which is neutral and polar, at codon 540 of the MCCC1 protein (p.Ser540Asn). This variant is present in population databases (rs376408733, gnomAD 0.0009%). This variant has not been reported in the literature in individuals affected with MCCC1-related conditions. ClinVar contains an entry for this variant (Variation ID: 1956446). Invitae Evidence Modeling of protein sequence and biophysical properties (such as structural, functional, and spatial information, amino acid conservation, physicochemical variation, residue mobility, and thermodynamic stability) indicates that this missense variant is not expected to disrupt MCCC1 protein function with a negative predictive value of 95%. In summary, the available evidence is currently insufficient to determine the role of this variant in disease. Therefore, it has been classified as a Variant of Uncertain Significance.